The following is an entry in ClinVar:

ClinVar aggregate classification (germline): Likely benign. Review status: criteria provided, single submitter (1 of 4 stars). 2 submissions from 2 submitters: Likely benign (1). 1 of the submissions does not count toward it. Last evaluated 2025-11-11.

Conditions:
MED12-Related Disorders. Also called: MED12-related disorder; MED12-related condition. Identifiers: MedGen CN381102.
FG syndrome (FGS). Identifiers: MedGen C0220769, MONDO:0002010.

Allele frequency attached by ClinVar (database versions not stated): gnomAD 0.00001; TOPMed 0.00001.

Submissions (2):

Labcorp Genetics (formerly Invitae), Labcorp
Classification: Likely benign for FG syndrome. Last evaluated: 2025-11-11. Review status: criteria provided, single submitter. Criteria: Invitae Variant Classification Sherloc (09022015). Collection method: clinical testing. Allele origin: germline.

PreventionGenetics, part of Exact Sciences
Classification: Likely benign for MED12-related condition. Last evaluated: 2022-11-15. Review status: no assertion criteria provided. Collection method: clinical testing. Allele origin: germline. Not counted in ClinVar's aggregate classification.
Comment: This variant is classified as likely benign based on ACMG/AMP sequence variant interpretation guidelines (Richards et al. 2015 PMID: 25741868, with internal and published modifications).

NM_005120.3(MED12):c.4728-9C>T

Gene: MED12 (mediator complex subunit 12; plus strand). Cytogenetic location: Xq13.1.
Variant type: single nucleotide variant.
Coding change: c.4728-9C>T on transcript NM_005120.3 (MANE Select); 9 bases into the intron before coding-DNA position 4728, C replaced by T.
Molecular consequence: intron variant.
Genome position (GRCh38, 1-based): chrX:71,134,704, C>T. VCF-style: chrX-71134704-C-T. GRCh37 (hg19) VCF-style: chrX-70354554-C-T.
Other names: c.4728-9C>T (NM_005120.2).
Identifiers: ClinVar variation 1913234 (VCV001913234.7), dbSNP rs1398571708, ClinGen allele CA877805016.
Genomic context (GRCh38, chrX:71,134,704, plus strand): 5'-CCTCTGCTGAGGCCTTTTTCTATCTTCACCTCTTTCTTCTTTGGTTTTCTCTCTGGCTTC[C>T]TGTCTCAGTGAGCTCTTCACTACTGTGTTGGACATGCTGAGCGTGCTCATCAATGGGACA-3'